The following is an entry in ClinVar:

ClinVar aggregate classification (germline): Uncertain significance. Review status: criteria provided, multiple submitters, no conflicts (2 of 4 stars). 4 submissions from 4 submitters: Uncertain significance (4). Last evaluated 2025-05-27.

Conditions:
Cardiovascular phenotype. Identifiers: MedGen CN230736.
Hypertrophic cardiomyopathy. Also called: HYPERTROPHIC MYOCARDIOPATHY. Identifiers: Orphanet 217569, MedGen C0007194, MeSH D002312, MONDO:0005045, HP:0001639.

Allele frequency attached by ClinVar (database versions not stated): gnomAD exomes below 0.00001; TOPMed 0.00002.
gnomAD v4.1: 4 of 1,605,418 alleles (0.00025%); highest among the groups gnomAD compares: African/African-American, 0.0054%; no homozygotes.

Submissions (4):

Labcorp Genetics (formerly Invitae), Labcorp
Classification: Uncertain significance for Hypertrophic cardiomyopathy. Last evaluated: 2025-05-27. Review status: criteria provided, single submitter. Criteria: Invitae Variant Classification Sherloc (09022015). Collection method: clinical testing. Allele origin: germline.
Comment: This sequence change replaces arginine, which is basic and polar, with serine, which is neutral and polar, at codon 1162 of the MYBPC3 protein (p.Arg1162Ser). This variant is present in population databases (rs786204358, gnomAD 0.007%). This variant has not been reported in the literature in individuals affected with MYBPC3-related conditions. ClinVar contains an entry for this variant (Variation ID: 188583). An algorithm developed to predict the effect of missense changes on protein structure and function (PolyPhen-2) suggests that this variant is likely to be tolerated. In summary, the available evidence is currently insufficient to determine the role of this variant in disease. Therefore, it has been classified as a Variant of Uncertain Significance.

Ambry Genetics
Classification: Uncertain significance for Cardiovascular phenotype. Last evaluated: 2025-05-03. Review status: criteria provided, single submitter. Criteria: Ambry Variant Classification Scheme 2023. Collection method: clinical testing. Allele origin: germline.
Comment: The p.R1162S variant (also known as c.3486A>T), located in coding exon 31 of the MYBPC3 gene, results from an A to T substitution at nucleotide position 3486. The arginine at codon 1162 is replaced by serine, an amino acid with dissimilar properties. This amino acid position is not well conserved in available vertebrate species. In addition, the in silico prediction for this alteration is inconclusive. Based on the available evidence, the clinical significance of this variant remains unclear.

GeneDx
Classification: Uncertain significance. Last evaluated: 2024-08-13. Review status: criteria provided, single submitter. Criteria: GeneDx Variant Classification Process June 2021. Collection method: clinical testing. Allele origin: germline. Affected: yes.
Comment: Not observed at significant frequency in large population cohorts (gnomAD); In silico analysis indicates that this missense variant does not alter protein structure/function; Has not been previously published as pathogenic or benign to our knowledge

All of Us Research Program, National Institutes of Health
Classification: Uncertain significance for Hypertrophic cardiomyopathy. Last evaluated: 2024-05-14. Review status: criteria provided, single submitter. Criteria: ACMG Guidelines, 2015. Collection method: clinical testing. Allele origin: germline. Inheritance: Autosomal dominant inheritance. Observed: 1 variant allele, 1 heterozygote.
Comment: This missense variant replaces arginine with serine at codon 1162 of the MYBPC3 protein. Computational prediction tools indicate that this variant has a neutral impact on protein structure and function. To our knowledge, functional studies have not been reported for this variant. This variant has not been reported in individuals affected with MYBPC3-related disorders in the literature. This variant has been identified in 1/234804 chromosomes in the general population by the Genome Aggregation Database (gnomAD). The available evidence is insufficient to determine the role of this variant in disease conclusively. Therefore, this variant is classified as a Variant of Uncertain Significance.

This study involves interpretation of variants in research participants for the purpose of population health screening. Participant phenotype was not available at the time of variant classification. Additional details can be found in publication PMID: 35346344, PMCID: PMC8962531

NM_000256.3(MYBPC3):c.3486A>T (p.Arg1162Ser)

Gene: MYBPC3 (myosin binding protein C3; minus strand). Cytogenetic location: 11p11.2.
Variant type: single nucleotide variant.
Coding change: c.3486A>T on transcript NM_000256.3 (MANE Select); coding-DNA position 3486, A replaced by T.
Protein change: p.Arg1162Ser; replaces arginine 1162 with serine.
Molecular consequence: missense variant.
Genome position (GRCh38, 1-based): chr11:47,332,818, T>A on the plus strand (A>T on the coding strand, the complement: MYBPC3 is on the minus strand). VCF-style: chr11-47332818-T-A. GRCh37 (hg19) VCF-style: chr11-47354369-T-A.
Other names: short protein forms R1162S.
Identifiers: ClinVar variation 188583 (VCV000188583.10), dbSNP rs786204358, ClinGen allele CA014224.